The following is an entry in ClinVar:

NM_015102.5(NPHP4):c.1571C>T (p.Ser524Leu)

Gene: NPHP4 (nephrocystin 4; minus strand). Cytogenetic location: 1p36.31.
Variant type: single nucleotide variant.
Coding change: c.1571C>T on transcript NM_015102.5 (MANE Select); coding-DNA position 1571, C replaced by T.
Protein change: p.Ser524Leu; replaces serine 524 with leucine.
Molecular consequence: missense variant. On other transcripts: non-coding transcript variant (1), intron variant (2).
Genome position (GRCh38, 1-based): chr1:5,907,155, G>A on the plus strand (C>T on the coding strand, the complement: NPHP4 is on the minus strand). VCF-style: chr1-5907155-G-A. GRCh37 (hg19) VCF-style: chr1-5967215-G-A.
Other names: c.76-1372C>T (NM_001291594.2); c.76-1375C>T (NM_001291593.2); short protein forms S524L.
Identifiers: ClinVar variation 598512 (VCV000598512.12), dbSNP rs1268005672, ClinGen allele CA338056897.

ClinVar aggregate classification (germline): Uncertain significance. Review status: criteria provided, multiple submitters, no conflicts (2 of 4 stars). 2 submissions from 2 submitters: Uncertain significance (2). Last evaluated 2022-07-25.

Conditions:
Nephronophthisis. Also called: Juvenile Nephronophthisis. Identifiers: Orphanet 655, MedGen C0687120, MONDO:0019005, HP:0000090.

Allele frequency attached by ClinVar (database versions not stated): gnomAD 0.00001; TOPMed 0.00001.
gnomAD v4.1: 4 of 1,585,908 alleles (0.00025%); highest among the groups gnomAD compares: Non-Finnish European, 0.00034%; no homozygotes.

Submissions (2):

Labcorp Genetics (formerly Invitae), Labcorp
Classification: Uncertain significance for Nephronophthisis. Last evaluated: 2022-07-25. Review status: criteria provided, single submitter. Criteria: Invitae Variant Classification Sherloc (09022015). Collection method: clinical testing. Allele origin: germline.
Comment: In summary, the available evidence is currently insufficient to determine the role of this variant in disease. Therefore, it has been classified as a Variant of Uncertain Significance. Algorithms developed to predict the effect of missense changes on protein structure and function output the following: SIFT: "Tolerated"; PolyPhen-2: "Benign"; Align-GVGD: "Class C0". The leucine amino acid residue is found in multiple mammalian species, which suggests that this missense change does not adversely affect protein function. ClinVar contains an entry for this variant (Variation ID: 598512). This variant has not been reported in the literature in individuals affected with NPHP4-related conditions. This variant is present in population databases (no rsID available, gnomAD 0.007%). This sequence change replaces serine, which is neutral and polar, with leucine, which is neutral and non-polar, at codon 524 of the NPHP4 protein (p.Ser524Leu).

Eurofins Ntd Llc (ga)
Classification: Uncertain significance. Last evaluated: 2018-08-22. Review status: criteria provided, single submitter. Criteria: EGL ClinVar v180209 classification definitions. Collection method: clinical testing. Allele origin: germline. Observed: 1 variant allele, 1 heterozygote.